The following is an entry in ClinVar:

NC_000022.11:g.21126635G>A

Variant type: single nucleotide variant.
Genome position: GRCh38 VCF-style: chr22-21126635-G-A. GRCh37 (hg19) VCF-style: chr22-21480924-G-A.
Identifiers: ClinVar variation 4821217 (VCV004821217.4).

ClinVar aggregate classification (germline): Likely benign (1 of 4 stars; one submission).

Submission:

CeGaT Center for Human Genetics Tuebingen
Classification: Likely benign. Last evaluated: 2026-03-01. Review status: criteria provided, single submitter. Criteria: CeGaT Center For Human Genetics Tuebingen Variant Classification Criteria Version 2. Collection method: clinical testing. Allele origin: germline. Affected: yes. Observed: 1 variant allele.
Comment: POM121L7P: BP4, BP7